The following is an entry in ClinVar:

ClinVar aggregate classification (germline): Uncertain significance (1 of 4 stars; one submission).

Conditions:
Cardiovascular phenotype. Identifiers: MedGen CN230736.

Submission:

Ambry Genetics
Classification: Uncertain significance for Cardiovascular phenotype. Last evaluated: 2024-09-24. Review status: criteria provided, single submitter. Criteria: Ambry Variant Classification Scheme 2023. Collection method: clinical testing. Allele origin: germline.
Comment: The p.P625T variant (also known as c.1873C>A), located in coding exon 11 of the CBL gene, results from a C to A substitution at nucleotide position 1873. The proline at codon 625 is replaced by threonine, an amino acid with highly similar properties. This amino acid position is conserved. In addition, the in silico prediction for this alteration is inconclusive. Based on the available evidence, the clinical significance of this variant remains unclear.

NM_005188.4(CBL):c.1873C>A (p.Pro625Thr)

Gene: CBL (Cbl proto-oncogene; plus strand). Cytogenetic location: 11q23.3.
Variant type: single nucleotide variant.
Coding change: c.1873C>A on transcript NM_005188.4 (MANE Select); coding-DNA position 1873, C replaced by A.
Protein change: p.Pro625Thr; replaces proline 625 with threonine.
Molecular consequence: missense variant.
Genome position (GRCh38, 1-based): chr11:119,285,498, C>A. VCF-style: chr11-119285498-C-A. GRCh37 (hg19) VCF-style: chr11-119156208-C-A.
Other names: short protein forms P625T.
Identifiers: ClinVar variation 3485590 (VCV003485590.1).